The following is an entry in ClinVar:

NM_015374.3(SUN2):c.1701C>T (p.Tyr567=)

Genes: GTPBP1 (GTP binding protein 1; plus strand), SUN2 (Sad1 and UNC84 domain containing 2; minus strand). Cytogenetic location: 22q13.1.
Variant type: single nucleotide variant.
Coding change: c.1701C>T on transcript NM_015374.3 (MANE Select); coding-DNA position 1701, C replaced by T.
Protein change: p.Tyr567=; no amino-acid change (tyrosine 567 retained).
Molecular consequence: synonymous variant.
Genome position (GRCh38, 1-based): chr22:38,738,951, G>A on the plus strand (C>T on the coding strand, the complement: SUN2 is on the minus strand). VCF-style: chr22-38738951-G-A. GRCh37 (hg19) VCF-style: chr22-39134956-G-A.
Other names: p.Tyr567=; c.1764C>T, p.Tyr588= (NM_001199579.2); c.1701C>T, p.Tyr567= (NM_001199580.2).
Identifiers: ClinVar variation 461680 (VCV000461680.15), dbSNP rs8138622, ClinGen allele CA10235451.

ClinVar aggregate classification (germline): Benign/Likely benign. Review status: criteria provided, multiple submitters, no conflicts (2 of 4 stars). 3 submissions from 3 submitters: Benign (2); Likely benign (1). Last evaluated 2026-01-26.

Conditions:
Emery-Dreifuss muscular dystrophy (EDMD). Also called: Scapuloperoneal syndrome, X-linked (formerly); Humeroperoneal neuromuscular disease, (formerly). Identifiers: Orphanet 261, MedGen C0410189, MONDO:0016830.

Allele frequency attached by ClinVar (database versions not stated): gnomAD exomes 0.00093 and 0.00225; ExAC 0.00313; 1000 Genomes Project 30x 0.00734; 1000 Genomes Project 0.00819; gnomAD 0.00828 and 0.00894; TOPMed 0.00958; ESP Exome Variant Server 0.01007.
gnomAD v4.1: 2,648 of 1,613,650 alleles (0.16%); highest among the groups gnomAD compares: African/African-American, 3.1%; 49 homozygotes.

Submissions (3):

Labcorp Genetics (formerly Invitae), Labcorp
Classification: Benign for Emery-Dreifuss muscular dystrophy. Last evaluated: 2026-01-26. Review status: criteria provided, single submitter. Criteria: Invitae Variant Classification Sherloc (09022015). Collection method: clinical testing. Allele origin: germline.

Mayo Clinic Laboratories, Mayo Clinic
Classification: Likely benign. Last evaluated: 2025-11-08. Review status: criteria provided, single submitter. Criteria: ACMG Guidelines, 2015. Collection method: clinical testing. Allele origin: germline. Observed: 2 variant alleles.
Comment: BS1, BP4, BP7

Breakthrough Genomics
Classification: Benign. Review status: criteria provided, single submitter. Criteria: ACMG Guidelines, 2015. Collection method: not provided. Allele origin: germline. Inheritance: Unknown mechanism. Affected: yes.